The following is an entry in ClinVar:

ClinVar aggregate classification (germline): Uncertain significance. Review status: criteria provided, multiple submitters, no conflicts (2 of 4 stars). 5 submissions from 5 submitters: Uncertain significance (4). 1 of the submissions does not count toward it. Last evaluated 2024-01-09.

Conditions:
Retinitis pigmentosa 74 (RP74). Identifiers: Orphanet 791, MedGen C4225281, MONDO:0014692, OMIM 616562.
Bardet-Biedl syndrome 2 (BBS2). Identifiers: Orphanet 110, MedGen C2936863, MONDO:0014432, OMIM 615981.
BBS2-related disorder. Also called: BBS2-related disorders; BBS2-related condition. Identifiers: MedGen CN239228.
Inborn genetic diseases. Identifiers: MedGen C0950123, MeSH D030342.
Bardet-Biedl syndrome (BBS). Identifiers: Orphanet 110, MedGen C0752166, MONDO:0015229.

Allele frequency attached by ClinVar (database versions not stated): gnomAD exomes below 0.00001; gnomAD 0.00001; TOPMed 0.00001; ESP Exome Variant Server 0.00008.
gnomAD v4.1: 7 of 1,614,016 alleles (0.00043%); highest among the groups gnomAD compares: Middle Eastern, 0.049%; no homozygotes.

Submissions (5):

Ambry Genetics
Classification: Uncertain significance for Inborn genetic diseases. Last evaluated: 2024-01-09. Review status: criteria provided, single submitter. Criteria: Ambry Variant Classification Scheme 2023. Collection method: clinical testing. Allele origin: germline.

Fulgent Genetics
Classification: Uncertain significance for Bardet-Biedl syndrome 2; Retinitis pigmentosa 74. Last evaluated: 2022-05-19. Review status: criteria provided, single submitter. Criteria: ACMG Guidelines, 2015. Collection method: clinical testing. Allele origin: unknown.

Labcorp Genetics (formerly Invitae), Labcorp
Classification: Uncertain significance for Bardet-Biedl syndrome. Last evaluated: 2021-08-13. Review status: criteria provided, single submitter. Criteria: Invitae Variant Classification Sherloc (09022015). Collection method: clinical testing. Allele origin: germline.
Comment: This sequence change replaces threonine with serine at codon 397 of the BBS2 protein (p.Thr397Ser). The threonine residue is weakly conserved and there is a small physicochemical difference between threonine and serine. This variant is not present in population databases (ExAC no frequency). This variant has not been reported in the literature in individuals affected with BBS2-related conditions. ClinVar contains an entry for this variant (Variation ID: 193748). Algorithms developed to predict the effect of missense changes on protein structure and function (SIFT, PolyPhen-2, Align-GVGD) all suggest that this variant is likely to be tolerated. In summary, the available evidence is currently insufficient to determine the role of this variant in disease. Therefore, it has been classified as a Variant of Uncertain Significance.

Eurofins Ntd Llc (ga)
Classification: Uncertain significance. Last evaluated: 2014-10-08. Review status: criteria provided, single submitter. Criteria: EGL Classification Definitions 2015. Collection method: clinical testing. Allele origin: germline. Observed: 1 variant allele, 1 heterozygote.

PreventionGenetics, part of Exact Sciences
Classification: Uncertain significance for BBS2-related condition. Last evaluated: 2024-03-22. Review status: no assertion criteria provided. Collection method: clinical testing. Allele origin: germline. Not counted in ClinVar's aggregate classification.
Comment: The BBS2 c.1190C>G variant is predicted to result in the amino acid substitution p.Thr397Ser. To our knowledge, this variant has not been reported in the literature or in a large population database, indicating this variant is rare. At this time, the clinical significance of this variant is uncertain due to the absence of conclusive functional and genetic evidence.

NM_031885.5(BBS2):c.1190C>G (p.Thr397Ser)

Gene: BBS2 (Bardet-Biedl syndrome 2; minus strand). Cytogenetic location: 16q13.
Variant type: single nucleotide variant.
Coding change: c.1190C>G on transcript NM_031885.5 (MANE Select); coding-DNA position 1190, C replaced by G.
Protein change: p.Thr397Ser; replaces threonine 397 with serine.
Molecular consequence: missense variant. On other transcripts: non-coding transcript variant (5).
Genome position (GRCh38, 1-based): chr16:56,501,388, G>C on the plus strand (C>G on the coding strand, the complement: BBS2 is on the minus strand). VCF-style: chr16-56501388-G-C. GRCh37 (hg19) VCF-style: chr16-56535300-G-C.
Other names: c.1190C>G, p.Thr397Ser (NM_001377456.1); c.1190C>G (NM_031885.3); short protein forms T397S.
Identifiers: ClinVar variation 193748 (VCV000193748.13), dbSNP rs368138622, ClinGen allele CA239375.